The following is an entry in ClinVar:

ClinVar aggregate classification (germline): Pathogenic/Likely pathogenic. Review status: criteria provided, multiple submitters, no conflicts (2 of 4 stars). 8 submissions from 8 submitters: Pathogenic (6); Likely pathogenic (1). 1 of the submissions does not count toward it. Last evaluated 2025-10-27.

Conditions:
Autosomal recessive limb-girdle muscular dystrophy type 2O. Also called: Limb-Girdle Muscular Dystrophy Type 3C; MUSCULAR DYSTROPHY-DYSTROGLYCANOPATHY, LIMB-GIRDLE, POMGNT1-RELATED; MUSCULAR DYSTROPHY-DYSTROGLYCANOPATHY (LIMB-GIRDLE), TYPE C, 3. Identifiers: Orphanet 206564, MedGen C3150417, MONDO:0013161, OMIM 613157.
Muscular dystrophy-dystroglycanopathy (congenital with impaired intellectual development), type B, 3. Also called: Muscular dystrophy-dystroglycanopathy (congenital with intellectual disability), type B3; MUSCULAR DYSTROPHY, CONGENITAL, POMGNT1-RELATED. Identifiers: MedGen C3150412, MONDO:0013155, OMIM 613151.
Muscular dystrophy-dystroglycanopathy (congenital with brain and eye anomalies), type A3. Also called: Congenital muscular dystrophy-dystroglycanopathy with brain and eye anomalies, type A3; Muscular dystrophy-dystroglycanopathy (congenital with brain and eye anomalies), type A, 3; WALKER-WARBURG SYNDROME OR MUSCLE-EYE-BRAIN DISEASE, POMGNT1-RELATED. Identifiers: MedGen C3151519, MONDO:0009667, OMIM 253280.
Muscle eye brain disease (MEB). Also called: Santavuori congenital muscular dystrophy. Identifiers: Orphanet 588, Orphanet 899, MedGen C0457133, MONDO:0018939.
Inborn genetic diseases. Identifiers: MedGen C0950123, MeSH D030342.
Muscular dystrophy-dystroglycanopathy. Also called: Congenital muscular dystrophy due to dystroglycanopathy. Identifiers: Orphanet 370953, MedGen C5679911, MONDO:0018276.

gnomAD v4.1: 2 of 1,614,142 alleles (0.00012%); highest among the groups gnomAD compares: Non-Finnish European, 0.00017%; no homozygotes.

Submissions (8):

Natera, Inc.
Classification: Pathogenic for Muscle-eye-brain disease. Last evaluated: 2025-10-27. Review status: criteria provided, single submitter. Criteria: Natera Variant Classification Schema (03/2026). Collection method: clinical testing. Allele origin: germline.
Comment: The c.1462C>T variant in POMGNT1 is a nonsense variant predicted to introduce a stop codon at amino acid 488. This variant is expected to result in nonsense mediated decay, truncation, or a dysfunctional protein product. This variant is rare in the general population with a frequency below the threshold expected for the associated phenotype(s). This variant has been observed in one or more individuals affected with the associated recessive disease, as either homozygous or compound heterozygous with a second variant (PMID: 31375477). Given the available evidence, this variant is classified as Pathogenic.

GeneDx
Classification: Pathogenic. Last evaluated: 2025-07-18. Review status: criteria provided, single submitter. Criteria: GeneDx Variant Classification Process June 2021. Collection method: clinical testing. Allele origin: germline. Affected: yes.
Comment: Not observed at significant frequency in large population cohorts (gnomAD); Nonsense variant predicted to result in protein truncation or nonsense mediated decay in a gene for which loss of function is a known mechanism of disease; This variant is associated with the following publications: (PMID: 31964843, 31375477, Toda2021[CaseReport], 29175898)

Labcorp Genetics (formerly Invitae), Labcorp
Classification: Pathogenic for Autosomal recessive limb-girdle muscular dystrophy type 2O; Muscular dystrophy-dystroglycanopathy (congenital with impaired intellectual development), type B, 3. Last evaluated: 2024-04-17. Review status: criteria provided, single submitter. Criteria: Invitae Variant Classification Sherloc (09022015). Collection method: clinical testing. Allele origin: germline.
Comment: This sequence change creates a premature translational stop signal (p.Arg488*) in the POMGNT1 gene. It is expected to result in an absent or disrupted protein product. Loss-of-function variants in POMGNT1 are known to be pathogenic (PMID: 19299310, 20816175, 21447391, 26908613, 27391550). This variant is present in population databases (rs727504103, gnomAD 0.0009%). This variant has not been reported in the literature in individuals affected with POMGNT1-related conditions. ClinVar contains an entry for this variant (Variation ID: 665448). For these reasons, this variant has been classified as Pathogenic.

Baylor Genetics
Classification: Pathogenic for Muscular dystrophy-dystroglycanopathy (congenital with brain and eye anomalies), type A3. Last evaluated: 2024-02-19. Review status: criteria provided, single submitter. Criteria: ACMG Guidelines, 2015. Collection method: clinical testing. Allele origin: unknown.

3billion
Classification: Pathogenic for Muscular dystrophy-dystroglycanopathy (congenital with impaired intellectual development), type B, 3. Last evaluated: 2023-12-03. Review status: criteria provided, single submitter. Criteria: ACMG Guidelines, 2015. Collection method: clinical testing. Allele origin: germline. Affected: yes.
Comment: The variant is observed at an extremely low frequency in the gnomAD v2.1.1 dataset (total allele frequency: <0.001%). Predicted Consequence/Location: Stop-gained (nonsense): predicted to result in a loss or disruption of normal protein function through nonsense-mediated decay (NMD) or protein truncation. Multiple pathogenic variants are reported downstream of the variant. The variant has been reported at least twice as pathogenic without evidence for the classification (ClinVar ID: VCV000665448). Therefore, this variant is classified as Pathogenic according to the recommendation of ACMG/AMP guideline.

Broad Center for Mendelian Genomics, Broad Institute of MIT and Harvard
Classification: Likely pathogenic for Muscular dystrophy-dystroglycanopathy. Last evaluated: 2023-01-24. Review status: criteria provided, single submitter. Criteria: ACMG Guidelines, 2015. Collection method: curation. Allele origin: germline. Inheritance: Autosomal recessive inheritance.
Comment: The p.Arg488Ter variant in POMGNT1 has not been previously reported in the literature in individuals with POMGNT1-associated muscular dystrophy-dystroglycanopathy, but has been identified in 0.0009% (1/113768) of European (non-Finnish) chromosomes by the Genome Aggregation Database (gnomAD; dbSNP ID: rs727504103). Although this variant has been seen in the general population in a heterozygous state, its frequency is low enough to be consistent with a recessive carrier frequency. This variant has also been reported in ClinVar (Variation ID#: 665448) and has been interpreted as pathogenic by Ambry Genetics and Invitae. This nonsense variant leads to a premature termination codon at amino acid position 488 which is predicted to lead to a truncated or absent protein. Loss of function of the POMGNT1 gene is an established disease mechanism in autosomal recessive POMGNT1-associated muscular dystrophy-dystroglycanopathy. In summary, although additional studies are required to fully establish its clinical significance, this variant is likely pathogenic for POMGNT1-associated muscular dystrophy-dystroglycanopathy. ACMG/AMP Criteria applied: PVS1, PM2 (Richards 2015).

Ambry Genetics
Classification: Pathogenic for Inborn genetic diseases. Last evaluated: 2018-07-02. Review status: criteria provided, single submitter. Criteria: Ambry exome assertion method (8-5-2015). Collection method: clinical testing. Allele origin: germline. Affected: yes. Observed: 1 variant allele.

Clinical Laboratory Sciences Program (CLSP), King Saud bin Abdulaziz University for Health Sciences (KSAU-HS)
Classification: Pathogenic for Autosomal recessive limb-girdle muscular dystrophy type 2O. Last evaluated: 2023-04-01. Review status: no assertion criteria provided. Collection method: clinical testing. Allele origin: germline. Affected: yes. Not counted in ClinVar's aggregate classification.

Literature cited by the submitters: PubMed 31375477 (cited by Natera, Inc.); PubMed 19299310 (cited by Labcorp Genetics (formerly Invitae), Labcorp); PubMed 20816175 (cited by Labcorp Genetics (formerly Invitae), Labcorp); PubMed 21447391 (cited by Labcorp Genetics (formerly Invitae), Labcorp); PubMed 26908613 (cited by Labcorp Genetics (formerly Invitae), Labcorp); PubMed 27391550 (cited by Labcorp Genetics (formerly Invitae), Labcorp).

NM_017739.4(POMGNT1):c.1462C>T (p.Arg488Ter)

Genes: POMGNT1 (protein O-linked mannose N-acetylglucosaminyltransferase 1 (beta 1,2-); minus strand), TSPAN1 (tetraspanin 1; plus strand). Cytogenetic location: 1p34.1.
Variant type: single nucleotide variant.
Coding change: c.1462C>T on transcript NM_017739.4 (MANE Select); coding-DNA position 1462, C replaced by T.
Protein change: p.Arg488Ter; replaces arginine 488 with a stop codon.
Molecular consequence: nonsense.
Genome position (GRCh38, 1-based): chr1:46,192,175, G>A on the plus strand (C>T on the coding strand, the complement: POMGNT1 is on the minus strand). VCF-style: chr1-46192175-G-A. GRCh37 (hg19) VCF-style: chr1-46657847-G-A.
Other names: NM_017739.4(POMGNT1):c.1462C>T; p.Arg488Ter; c.1462C>T, p.Arg488Ter (NM_001243766.2, NM_001410783.1); c.1396C>T, p.Arg466Ter (NM_001290129.3); c.1033C>T, p.Arg345Ter (NM_001290130.2); short protein forms R488*, R466*, R345*.
Identifiers: ClinVar variation 665448 (VCV000665448.29), dbSNP rs727504103, ClinGen allele CA833362.
Genomic context (GRCh38, chr1:46,192,175, plus strand): 5'-TGTTGAGGCCGACGATGCCAAAGTGGTAGGATCGGGAAACGTCAGGGATGATGCACTCTC[G>A]GCCCCGGCGTTGTTCAGGCATCCGCATCCACATGTCCCAATCCCAGAGCTGGCAGACATG-3'